The following is an entry in ClinVar:

NM_020831.6(MRTFA):c.1864G>T (p.Asp622Tyr)

Gene: MRTFA (myocardin related transcription factor A; minus strand). Cytogenetic location: 22q13.1.
Variant type: single nucleotide variant.
Coding change: c.1864G>T on transcript NM_020831.6 (MANE Select); coding-DNA position 1864, G replaced by T.
Protein change: p.Asp622Tyr; replaces aspartic acid 622 with tyrosine.
Molecular consequence: missense variant.
Genome position (GRCh38, 1-based): chr22:40,418,874, C>A on the plus strand (G>T on the coding strand, the complement: MRTFA is on the minus strand). VCF-style: chr22-40418874-C-A. GRCh37 (hg19) VCF-style: chr22-40814878-C-A.
Other names: c.1564G>T, p.Asp522Tyr (NM_001282660.2); c.1714G>T, p.Asp572Tyr (NM_001282661.3); c.1864G>T, p.Asp622Tyr (NM_001282662.3); c.1669G>T, p.Asp557Tyr (NM_001318139.2); short protein forms D522Y, D557Y, D572Y, D622Y.
Identifiers: ClinVar variation 1683025 (VCV001683025.6), dbSNP rs201308820, ClinGen allele CA411659634.
Genomic context (GRCh38, chr22:40,418,874, plus strand): 5'-GGAGCATGCGCGTCAGCGCCTCGATCTGCTTGTCTTTCTCCTGCAGCATCTGGTCCTTGT[C>A]GCGCCCCTCTAGCTCCGCCCGCCCCCCAGGGCTCAGGCAACAGGACCCGGCCCGGGGGCC-3'
Protein context (NP_065882.2, residues 612-632): PGGRAELEGR[Asp622Tyr]KDQMLQEKDK

ClinVar aggregate classification (germline): Uncertain significance (1 of 4 stars; one submission).

gnomAD v4.1: 2 of 1,612,402 alleles (0.00012%); highest among the groups gnomAD compares: Non-Finnish European, 0.00017%; no homozygotes.

Submission:

Labcorp Genetics (formerly Invitae), Labcorp
Classification: Uncertain significance. Last evaluated: 2022-07-19. Review status: criteria provided, single submitter. Criteria: Invitae Variant Classification Sherloc (09022015). Collection method: clinical testing. Allele origin: germline.
Comment: ClinVar contains an entry for this variant (Variation ID: 1683025). This variant has not been reported in the literature in individuals affected with MKL1-related conditions. This variant is present in population databases (no rsID available, gnomAD 0.007%). This sequence change replaces aspartic acid, which is acidic and polar, with tyrosine, which is neutral and polar, at codon 522 of the MKL1 protein (p.Asp522Tyr). In summary, the available evidence is currently insufficient to determine the role of this variant in disease. Therefore, it has been classified as a Variant of Uncertain Significance. Algorithms developed to predict the effect of missense changes on protein structure and function (SIFT, PolyPhen-2, Align-GVGD) all suggest that this variant is likely to be disruptive.